The following is an entry in ClinVar:

ClinVar aggregate classification (germline): Pathogenic (1 of 4 stars; one submission).

Allele frequency attached by ClinVar (database versions not stated): TOPMed below 0.00001.

Submission:

Labcorp Genetics (formerly Invitae), Labcorp
Classification: Pathogenic. Last evaluated: 2021-07-02. Review status: criteria provided, single submitter. Criteria: Invitae Variant Classification Sherloc (09022015). Collection method: clinical testing. Allele origin: germline.
Comment: For these reasons, this variant has been classified as Pathogenic. This variant has not been reported in the literature in individuals affected with GNPTG-related conditions. This variant is not present in population databases (ExAC no frequency). This sequence change creates a premature translational stop signal (p.Trp98*) in the GNPTG gene. It is expected to result in an absent or disrupted protein product. Loss-of-function variants in GNPTG are known to be pathogenic (PMID: 19370764, 20301784).

Literature cited by the submitters: PubMed 19370764; PubMed 20301784.

NM_032520.5(GNPTG):c.294G>A (p.Trp98Ter)

Gene: GNPTG (N-acetylglucosamine-1-phosphate transferase subunit gamma; plus strand). Cytogenetic location: 16p13.3.
Variant type: single nucleotide variant.
Coding change: c.294G>A on transcript NM_032520.5 (MANE Select); coding-DNA position 294, G replaced by A.
Protein change: p.Trp98Ter; replaces tryptophan 98 with a stop codon.
Molecular consequence: nonsense.
Genome position (GRCh38, 1-based): chr16:1,361,932, G>A. VCF-style: chr16-1361932-G-A. GRCh37 (hg19) VCF-style: chr16-1411933-G-A.
Other names: short protein forms W98*.
Identifiers: ClinVar variation 1367242 (VCV001367242.6), dbSNP rs757581909, ClinGen allele CA394186994.